The following is an entry in ClinVar:

NM_000135.4(FANCA):c.461A>G (p.Tyr154Cys)

Gene: FANCA (FA complementation group A; minus strand). Cytogenetic location: 16q24.3.
Variant type: single nucleotide variant.
Coding change: c.461A>G on transcript NM_000135.4 (MANE Select); coding-DNA position 461, A replaced by G.
Protein change: p.Tyr154Cys; replaces tyrosine 154 with cysteine.
Molecular consequence: missense variant. On other transcripts: intron variant (1).
Genome position (GRCh38, 1-based): chr16:89,810,768, T>C on the plus strand (A>G on the coding strand, the complement: FANCA is on the minus strand). VCF-style: chr16-89810768-T-C. GRCh37 (hg19) VCF-style: chr16-89877176-T-C.
Other names: c.461A>G, p.Tyr154Cys (NM_001018112.3, NM_001286167.3); c.426+161A>G (NM_001351830.2); short protein forms Y154C.
Identifiers: ClinVar variation 3581577 (VCV003581577.2).

ClinVar aggregate classification (germline): Uncertain significance. Review status: criteria provided, multiple submitters, no conflicts (2 of 4 stars). 2 submissions from 2 submitters: Uncertain significance (2). Last evaluated 2025-09-04.

Conditions:
Inborn genetic diseases. Identifiers: MedGen C0950123, MeSH D030342.
Fanconi anemia complementation group A (FANCA). Also called: FANCA-Related Fanconi Anemia; Fanconi anemia, group A. Identifiers: Orphanet 84, MedGen C3469521, MONDO:0009215, OMIM 227650.

gnomAD v4.1: 2 of 1,613,768 alleles (0.00012%); highest among the groups gnomAD compares: Non-Finnish European, 0.00017%; no homozygotes.

Submissions (2):

Ambry Genetics
Classification: Uncertain significance for Inborn genetic diseases. Last evaluated: 2025-09-04. Review status: criteria provided, single submitter. Criteria: Ambry Variant Classification Scheme 2023. Collection method: clinical testing. Allele origin: germline.
Comment: The p.Y154C variant (also known as c.461A>G), located in coding exon 5 of the FANCA gene, results from an A to G substitution at nucleotide position 461. The tyrosine at codon 154 is replaced by cysteine, an amino acid with highly dissimilar properties. This amino acid position is conserved. In addition, this alteration is predicted to be tolerated by in silico analysis. Based on the available evidence, the clinical significance of this variant remains unclear.

Fulgent Genetics
Classification: Uncertain significance for Fanconi anemia complementation group A. Last evaluated: 2024-02-07. Review status: criteria provided, single submitter. Criteria: ACMG Guidelines, 2015. Collection method: clinical testing. Allele origin: germline.